The following is an entry in ClinVar:

ClinVar aggregate classification (germline): Likely benign. Review status: criteria provided, multiple submitters, no conflicts (2 of 4 stars). 2 submissions from 2 submitters: Likely benign (2). Last evaluated 2025-02-06.

Conditions:
POLD1-related polyposis and colorectal cancer syndrome (CRCS10). Also called: Colorectal cancer, susceptibility to, 10; Colorectal cancer 10; COLORECTAL CANCER, SUSCEPTIBILITY TO, ON CHROMOSOME 19q. Identifiers: Orphanet 220460, MedGen C2675481, MONDO:0012953, OMIM 612591.

Allele frequency attached by ClinVar (database versions not stated): gnomAD exomes below 0.00001.
gnomAD v4.1: 4 of 1,606,546 alleles (0.00025%); highest among the groups gnomAD compares: Non-Finnish European, 0.00034%; no homozygotes.

Submissions (2):

Myriad Genetics, Inc.
Classification: Likely benign for POLD1-related polyposis and colorectal cancer syndrome. Last evaluated: 2025-02-06. Review status: criteria provided, single submitter. Criteria: Myriad Autosomal Dominant, Autosomal Recessive and X-Linked Classification Criteria (2023). Collection method: clinical testing. Allele origin: unknown.
Comment: This variant is considered likely benign. This variant is intronic and is not expected to impact mRNA splicing.

Labcorp Genetics (formerly Invitae), Labcorp
Classification: Likely benign for POLD1-related polyposis and colorectal cancer syndrome. Last evaluated: 2022-05-28. Review status: criteria provided, single submitter. Criteria: Invitae Variant Classification Sherloc (09022015). Collection method: clinical testing. Allele origin: germline.

NM_002691.4(POLD1):c.1384-9C>T

Gene: POLD1 (DNA polymerase delta 1, catalytic subunit; plus strand). Cytogenetic location: 19q13.33.
Variant type: single nucleotide variant.
Coding change: c.1384-9C>T on transcript NM_002691.4 (MANE Select); 9 bases into the intron before coding-DNA position 1384, C replaced by T.
Molecular consequence: intron variant.
Genome position (GRCh38, 1-based): chr19:50,406,398, C>T. VCF-style: chr19-50406398-C-T. GRCh37 (hg19) VCF-style: chr19-50909655-C-T.
Other names: c.1384-9C>T (NM_001256849.1, NM_001308632.1).
Identifiers: ClinVar variation 748303 (VCV000748303.11), dbSNP rs1601216516, ClinGen allele CA915951935.
Genomic context (GRCh38, chr19:50,406,398, plus strand): 5'-GGGGTGTGTCCCTGTCCTTGGAAGGCCACTGCCCAGGCCCGCAGCCCACCAGCCCACCCA[C>T]CCACCTAGGTGCTGCTGCGGGAGTACAAGCTCCGCTCCTACACGCTCAATGCCGTGAGCT-3'